The following is an entry in ClinVar:

NM_000202.8(IDS):c.253G>A (p.Ala85Thr)

Gene: IDS (iduronate 2-sulfatase; minus strand). Cytogenetic location: Xq28.
Variant type: single nucleotide variant.
Coding change: c.253G>A on transcript NM_000202.8 (MANE Select); coding-DNA position 253, G replaced by A.
Protein change: p.Ala85Thr; replaces alanine 85 with threonine.
Molecular consequence: missense variant. On other transcripts: non-coding transcript variant (1), intron variant (1).
Genome position (GRCh38, 1-based): chrX:149,503,477, C>T on the plus strand (G>A on the coding strand, the complement: IDS is on the minus strand). VCF-style: chrX-149503477-C-T. GRCh37 (hg19) VCF-style: chrX-148585007-C-T.
Other names: c.253G>A, p.Ala85Thr (NM_006123.5); c.15-32G>A (NM_001166550.4); c.253G>A (NM_000202.7, NM_000202.4); short protein forms A85T.
Identifiers: ClinVar variation 92617 (VCV000092617.25), dbSNP rs113993949, ClinGen allele CA331781.

ClinVar aggregate classification (germline): Pathogenic/Likely pathogenic. Review status: criteria provided, multiple submitters, no conflicts (2 of 4 stars). 13 submissions from 13 submitters: Pathogenic (11); Likely pathogenic (1). 1 of the submissions does not count toward it. Last evaluated 2026-01-31.

Conditions:
Mucopolysaccharidosis, MPS-II (MPS2). Also called: Mucopolysaccharidosis type 2; Mucopolysaccharidosis with skin involvement; IDS deficiency; Sulfoiduronate sulfatase deficiency; SIDS deficiency; Attenuated MPS (subtype; formerly known as mild MPS II). Identifiers: Orphanet 580, Orphanet 79388, MedGen C0026705, MONDO:0010674, OMIM 309900.

Submissions (13):

GeneDx
Classification: Pathogenic. Last evaluated: 2026-01-31. Review status: criteria provided, single submitter. Criteria: GeneDx Variant Classification Process June 2021. Collection method: clinical testing. Allele origin: germline.
Comment: Published functional studies demonstrate a damaging effect [p.(A85T) leads to reduced mature enzyme and lysosomal activity, consistent with impaired IDS function] (PMID: 30042467); Not observed at significant frequency in large population cohorts (gnomAD); In silico analysis supports that this missense variant has a deleterious effect on protein structure/function; This variant is associated with the following publications: (PMID: 34589056, 35144014, 17091340, 25976201, 26762690, 31877959, 33676511, 34134972, 34006472, 36907694, 39303318, 39617925, 21291454, 9950361, 9660053, 27246110, 9501270, 37974184, 27883178, 36945845, 33960103, 27351199, 24125893, 27146977, 9452044, 41189009, 27896113, 36299240, 41226065, 39803987, 15614569, 30042467, 8940265)

Myriad Genetics, Inc.
Classification: Pathogenic for Mucopolysaccharidosis, MPS-II. Last evaluated: 2025-02-06. Review status: criteria provided, single submitter. Criteria: Myriad Autosomal Dominant, Autosomal Recessive and X-Linked Classification Criteria (2023). Collection method: clinical testing. Allele origin: unknown.
Comment: NM_000202.5(IDS):c.253G>A(A85T) is a missense variant classified as pathogenic in the context of mucopolysaccharidosis type II. A85T has been observed in cases with relevant disease (PMID: 33676511, 27146977, 27246110). Relevant functional assessments of this variant are available in the literature (PMID: 17091340). A85T has not been observed in referenced population frequency databases. In summary, NM_000202.5(IDS):c.253G>A(A85T) is a missense variant that has functional support for pathogenicity and has been observed more frequently in cases with the relevant disease than in healthy populations. Please note: this variant was assessed in the context of healthy population screening.

Laboratory of Diagnosis and Therapy of Lysosomal Disorders, University of Padova
Classification: Pathogenic for Mucopolysaccharidosis, MPS-II. Last evaluated: 2024-06-07. Review status: criteria provided, single submitter. Criteria: ACMG Guidelines, 2015. Collection method: literature only. Allele origin: germline. Affected: yes. Observed: 38 variant alleles.
Comment: In vitro or in vivo functional studies supportive of a damaging effect (PS3_Moderate), Prevalence of the variant significantly increased in affected individuals compared with controls (PS4_Strong), Absent from controls (or at low frequency) in gnomAD database (PM2_Moderate), Missense variant in a gene with a low rate of benign missense variation (PP2_Supporting), Multiple lines of computational evidence support a deleterious effect (PP3_Supporting), Patient’s phenotype or family history highly specific for the disease (PP4_Moderate)

Classification method: ACMG Guidelines [PMID:25741868] with modifications

Laboratorio de Genetica e Diagnostico Molecular, Hospital Israelita Albert Einstein
Classification: Pathogenic for Mucopolysaccharidosis, MPS-II. Last evaluated: 2023-01-29. Review status: criteria provided, single submitter. Criteria: ACMG Guidelines, 2015. Collection method: clinical testing. Allele origin: germline. Affected: yes. Observed: 1 variant allele.
Comment: ACMG classification criteria: PS3 supporting, PS4 strong, PM2 moderated, PP1 supporting, PP3 supporting, PP4

Revvity Omics, Revvity
Classification: Likely pathogenic for Mucopolysaccharidosis, MPS-II. Last evaluated: 2022-11-10. Review status: criteria provided, single submitter. Criteria: ACMG Guidelines, 2015. Collection method: clinical testing. Allele origin: germline.

Labcorp Genetics (formerly Invitae), Labcorp
Classification: Pathogenic for Mucopolysaccharidosis, MPS-II. Last evaluated: 2022-06-24. Review status: criteria provided, single submitter. Criteria: Invitae Variant Classification Sherloc (09022015). Collection method: clinical testing. Allele origin: germline.
Comment: ClinVar contains an entry for this variant (Variation ID: 92617). This sequence change replaces alanine, which is neutral and non-polar, with threonine, which is neutral and polar, at codon 85 of the IDS protein (p.Ala85Thr). This variant is not present in population databases (gnomAD no frequency). This missense change has been observed in individual(s) with mucopolysaccharidosis II (PMID: 8940265, 25976201, 26762690, 31877959). Advanced modeling of protein sequence and biophysical properties (such as structural, functional, and spatial information, amino acid conservation, physicochemical variation, residue mobility, and thermodynamic stability) performed at Invitae indicates that this missense variant is expected to disrupt IDS protein function. Experimental studies have shown that this missense change affects IDS function (PMID: 17091340). For these reasons, this variant has been classified as Pathogenic.

Genome-Nilou Lab
Classification: Pathogenic for Mucopolysaccharidosis, MPS-II. Last evaluated: 2021-09-05. Review status: criteria provided, single submitter. Criteria: ACMG Guidelines, 2015. Collection method: clinical testing. Allele origin: germline. Affected: no.

Women's Health and Genetics/Laboratory Corporation of America, LabCorp
Classification: Pathogenic for Mucopolysaccharidosis, MPS-II. Last evaluated: 2018-08-17. Review status: criteria provided, single submitter. Criteria: LabCorp Variant Classification Summary - May 2015. Collection method: clinical testing. Allele origin: germline.
Comment: Variant summary: IDS c.253G>A (p.Ala85Thr) results in a non-conservative amino acid change located in the Sulfatase, N-terminal domain of the encoded protein sequence. Five of five in-silico tools predict a damaging effect of the variant on protein function. The variant was absent in 169233 control chromosomes (gnomAD). c.253G>A has been reported in the literature in multiple individuals affected with Mucopolysaccharidosis Type II (Hunter Syndrome)(Alkhzouz_2016, Amartino_2014, Dvorakova_2017, Kosuga_2016). These data indicate that the variant is very likely to be associated with disease. At least one publication reports experimental evidence evaluating an impact on protein function. The most pronounced variant effect results in <10% of normal activity (Alkhzouz_2016). No clinical diagnostic laboratories have submitted clinical-significance assessments for this variant to ClinVar after 2014. Based on the evidence outlined above, the variant was classified as pathogenic.

Eurofins Ntd Llc (ga)
Classification: Pathogenic. Last evaluated: 2012-09-05. Review status: criteria provided, single submitter. Criteria: EGL Classification Definitions. Collection method: clinical testing. Allele origin: germline. Observed: 1 variant allele, 1 hemizygote.

IIFP, CONICET-UNLP
Classification: Pathogenic for Mucopolysaccharidosis, MPS-II. Last evaluated: 2007-05-16. Review status: criteria provided, single submitter. Criteria: ACMG Guidelines, 2007. Collection method: research. Allele origin: unknown. Inheritance: X-linked inheritance. Affected: yes. Observed: 2 variant alleles.

Department of Medical Genetics, Sanjay Gandhi Post Graduate Institute of Medical Sciences
Classification: Pathogenic for Mucopolysaccharidosis, MPS-II. Review status: criteria provided, single submitter. Criteria: ACMG Guidelines, 2015. Collection method: clinical testing. Allele origin: germline. Inheritance: X-linked recessive inheritance. Affected: yes. Observed: 1 variant allele, 1 hemizygote.

Kasturba Medical College, Manipal, Kasturba Medical College, Manipal, Manipal Academy of Higher Education, Manipal, India
Classification: Pathogenic for Mucopolysaccharidosis, MPS-II. Review status: criteria provided, single submitter. Criteria: ACMG Guidelines, 2015. Collection method: clinical testing. Allele origin: inherited. Inheritance: Autosomal recessive inheritance. Affected: yes.

Division of Medical Genetics, Department of Pediatrics, All India Institute of Medical Sciences, New Delhi
Classification: Affects for Mucopolysaccharidosis, MPS-II. Last evaluated: 2014-04-01. Review status: no assertion criteria provided. Collection method: research. Allele origin: germline. Inheritance: X-linked recessive inheritance. Affected: yes. Observed: 3 variant alleles, 3 hemizygotes. Clinical features observed: Coarse facial features (HP:0000280), Arthropathy (HP:0003040), Macrocephaly (HP:0000256), Hernia (HP:0100790), Hepatosplenomegaly (HP:0001433), Abnormality of the cardiovascular system (HP:0003116). Not counted in ClinVar's aggregate classification.
Comment: The change c.253G>A, (p.A85T) was found to be a known missense variant, where the non-polar amino acid Alanine at 85 position was substituted with another polar amino acid Threonine. Uttarilli et al., described it in MPS II patients with attenuated phenotype from Kerala and Karnataka (Uttarilli et al.,2016). In our study, it was detected in the hemizygous condition in patients with MPS-II attenuated phenotype, hails from from the state of UP and Bihar, India.

Literature cited by the submitters: PubMed 17091340 (cited by Myriad Genetics, Inc. and Labcorp Genetics (formerly Invitae), Labcorp); PubMed 27146977 (cited by Myriad Genetics, Inc. and Laboratory of Diagnosis and Therapy of Lysosomal Disorders, University of Padova); PubMed 27246110 (cited by Myriad Genetics, Inc. and Laboratory of Diagnosis and Therapy of Lysosomal Disorders, University of Padova); PubMed 33676511 (cited by Myriad Genetics, Inc. and Laboratory of Diagnosis and Therapy of Lysosomal Disorders, University of Padova); PubMed 35144014 (cited by Laboratory of Diagnosis and Therapy of Lysosomal Disorders, University of Padova); PubMed 26762690 (cited by Laboratory of Diagnosis and Therapy of Lysosomal Disorders, University of Padova and Labcorp Genetics (formerly Invitae), Labcorp); PubMed 27351199 (cited by Laboratory of Diagnosis and Therapy of Lysosomal Disorders, University of Padova and Women's Health and Genetics/Laboratory Corporation of America, LabCorp); PubMed 27896113 (cited by Laboratory of Diagnosis and Therapy of Lysosomal Disorders, University of Padova); PubMed 24125893 (cited by Laboratory of Diagnosis and Therapy of Lysosomal Disorders, University of Padova); PubMed 15614569 (cited by Laboratory of Diagnosis and Therapy of Lysosomal Disorders, University of Padova); PubMed 27883178 (cited by Laboratory of Diagnosis and Therapy of Lysosomal Disorders, University of Padova); PubMed 9660053 (cited by Laboratory of Diagnosis and Therapy of Lysosomal Disorders, University of Padova); PubMed 9452044 (cited by Laboratory of Diagnosis and Therapy of Lysosomal Disorders, University of Padova); PubMed 9501270 (cited by Laboratory of Diagnosis and Therapy of Lysosomal Disorders, University of Padova); PubMed 33960103 (cited by Laboratory of Diagnosis and Therapy of Lysosomal Disorders, University of Padova); PubMed 9950361 (cited by Laboratory of Diagnosis and Therapy of Lysosomal Disorders, University of Padova); PubMed 31877959 (cited by Laboratory of Diagnosis and Therapy of Lysosomal Disorders, University of Padova and Labcorp Genetics (formerly Invitae), Labcorp); PubMed 8940265 (cited by Laboratory of Diagnosis and Therapy of Lysosomal Disorders, University of Padova and Labcorp Genetics (formerly Invitae), Labcorp); PubMed 21291454 (cited by Laboratory of Diagnosis and Therapy of Lysosomal Disorders, University of Padova); PubMed 36945845 (cited by Laboratory of Diagnosis and Therapy of Lysosomal Disorders, University of Padova); PubMed 25976201 (cited by Labcorp Genetics (formerly Invitae), Labcorp); DOI 10.1016/j.ymgmr.2014.08.006 (cited by IIFP, CONICET-UNLP).